The following is an entry in ClinVar:

Conditions:
Breast-ovarian cancer, familial, susceptibility to, 1 (BROVCA1). Also called: BRCA1 Hereditary Breast and Ovarian Cancer; OVARIAN CANCER, SUSCEPTIBILITY TO. Identifiers: Orphanet 145, MedGen C2676676, MONDO:0011450, OMIM 604370. Disease mechanism: loss of function.

Submission:

Brotman Baty Institute, University of Washington
No classification provided (evidence only). Condition: Breast-ovarian cancer, familial 1. Review status: no classification provided. Collection method: in vitro. Allele origin: not applicable. Functional consequence: functionally_normal.
ClinVar note: "not provided" was previously submitted as the classification for the variant. However, the classification appeared to be based only on an observation of functional data so it was converted to no classification on 2025-07-30.

NM_007294.4(BRCA1):c.214A>T (p.Ser72Cys)

Gene: BRCA1 (BRCA1 DNA repair associated; minus strand). Cytogenetic location: 17q21.31.
Variant type: single nucleotide variant.
Coding change: c.214A>T on transcript NM_007294.4 (MANE Select); coding-DNA position 214, A replaced by T.
Protein change: p.Ser72Cys; replaces serine 72 with cysteine.
Molecular consequence: missense variant. On other transcripts: non-coding transcript variant (1).
Genome position (GRCh38, 1-based): chr17:43,104,955, T>A on the plus strand (A>T on the coding strand, the complement: BRCA1 is on the minus strand). VCF-style: chr17-43104955-T-A. GRCh37 (hg19) VCF-style: chr17-41256972-T-A.
Other names: c.4A>T, p.Ser2Cys (NM_001407571.1, NM_001407853.1, NM_001407879.1 and 58 more transcripts); c.214A>T, p.Ser72Cys (NM_001407581.1, NM_001407582.1, NM_001407583.1 and 168 more transcripts); c.136A>T, p.Ser46Cys (NM_001407653.1, NM_001407654.1, NM_001407655.1 and 21 more transcripts); c.73A>T, p.Ser25Cys (NM_001407692.1, NM_001407694.1, NM_001407695.1 and 99 more transcripts); c.-168A>T (NM_001407959.1, NM_001407960.1, NM_001407962.1 and 4 more transcripts); c.82A>T, p.Ser28Cys (NM_001408451.1); short protein forms S72C, S25C, S28C, S2C, S46C.
Identifiers: ClinVar variation 867974 (VCV000867974.3), dbSNP rs2054698736, ClinGen allele CA10601733.